The following is an entry in ClinVar:

ClinVar aggregate classification (germline): Likely benign (1 of 4 stars; one submission).

Conditions:
BSCL2-related disorder. Also called: BSCL2-Related Disorders; BSCL2-related condition.

gnomAD v4.1: 50 of 1,554,314 alleles (0.0032%); highest among the groups gnomAD compares: Non-Finnish European, 0.00026%; no homozygotes.

Submission:

PreventionGenetics, part of Exact Sciences
Classification: Likely benign for BSCL2-related condition. Last evaluated: 2026-03-24. Review status: criteria provided, single submitter. Criteria: ACMG Guidelines, 2015. Collection method: clinical testing. Allele origin: germline.
Comment: This variant is classified as likely benign based on ACMG/AMP sequence variant interpretation guidelines (Richards et al. 2015 PMID: 25741868, with internal and published modifications).

NM_001122955.4(BSCL2):c.54C>T (p.Cys18=)

Genes: BSCL2 (BSCL2 lipid droplet biogenesis associated, seipin; minus strand), GNG3 (G protein subunit gamma 3; plus strand), HNRNPUL2-BSCL2 (HNRNPUL2-BSCL2 readthrough (NMD candidate); minus strand). Cytogenetic location: 11q12.3.
Variant type: single nucleotide variant.
Coding change: c.54C>T on transcript NM_001122955.4 (MANE Select); coding-DNA position 54, C replaced by T.
Protein change: p.Cys18=; no amino-acid change (cysteine 18 retained).
Molecular consequence: synonymous variant. On other transcripts: non-coding transcript variant (1).
Genome position (GRCh38, 1-based): chr11:62,707,142, G>A on the plus strand (C>T on the coding strand, the complement: BSCL2 is on the minus strand). VCF-style: chr11-62707142-G-A. GRCh37 (hg19) VCF-style: chr11-62474614-G-A.
Other names: c.54C>T, p.Cys18= (NM_001386027.1, NM_001386028.1).
Identifiers: ClinVar variation 4979376 (VCV004979376.1).
Genomic context (GRCh38, chr11:62,707,142, plus strand): 5'-GCTGACTGTCCCCACAAGGGCCCCTACCTCCTCTTTGTCCGGTCCTTTGATCTGGTCTCC[G>A]CACACCTCTTTTTCCCCAGCTTCCTCCTTTTGGTCTACCTTTTCTGTAGACATCTTCCTG-3'
Protein context (NP_001116427.1, residues 8-28): QKEEAGEKEV[Cys18=]GDQIKGPDKE